The following is an entry in ClinVar:

ClinVar aggregate classification (germline): Benign (1 of 4 stars; one submission).

Allele frequency attached by ClinVar (database versions not stated): gnomAD exomes 0.00045; ExAC 0.00159; 1000 Genomes Project 0.00419; gnomAD 0.00433; 1000 Genomes Project 30x 0.00453; TOPMed 0.00476; ESP Exome Variant Server 0.00546.
gnomAD v4.1: 1,329 of 1,612,620 alleles (0.082%); highest among the groups gnomAD compares: African/African-American, 1.5%; 13 homozygotes.

Submission:

CeGaT Center for Human Genetics Tuebingen
Classification: Benign. Last evaluated: 2023-12-01. Review status: criteria provided, single submitter. Criteria: CeGaT Center For Human Genetics Tuebingen Variant Classification Criteria Version 2. Collection method: clinical testing. Allele origin: germline. Affected: yes. Observed: 1 variant allele.
Comment: CELA3B: BP4, BP7, BS1, BS2

NM_007352.4(CELA3B):c.411C>T (p.Asp137=)

Gene: CELA3B (chymotrypsin like elastase 3B; plus strand). Cytogenetic location: 1p36.12.
Variant type: single nucleotide variant.
Coding change: c.411C>T on transcript NM_007352.4 (MANE Select); coding-DNA position 411, C replaced by T.
Protein change: p.Asp137=; no amino-acid change (aspartic acid 137 retained).
Molecular consequence: synonymous variant.
Genome position (GRCh38, 1-based): chr1:21,983,742, C>T. VCF-style: chr1-21983742-C-T. GRCh37 (hg19) VCF-style: chr1-22310235-C-T.
Identifiers: ClinVar variation 3024906 (VCV003024906.22), dbSNP rs113497474, ClinGen allele CA674305.